The following is an entry in ClinVar:

ClinVar aggregate classification (germline): Uncertain significance. Review status: criteria provided, multiple submitters, no conflicts (2 of 4 stars). 2 submissions from 2 submitters: Uncertain significance (2). Last evaluated 2025-10-26.

Conditions:
Neuropathy, hereditary sensory, type 2C. Also called: Hereditary sensory and autonomic neuropathy type IIC; KIF1A-Related HSAN2 (HSAN2C). Identifiers: Orphanet 970, MedGen C3280168, MONDO:0013634, OMIM 614213.
Intellectual disability, autosomal dominant 9 (NESCAVS). Also called: KIF1A-Related Neurodevelopmental Disorder; NESCAV SYNDROME. Identifiers: Orphanet 662367, MedGen C5393830, MONDO:0013656, OMIM 614255.
Hereditary spastic paraplegia 30. Identifiers: Orphanet 101010, MedGen C5235139, MONDO:0012476.

Allele frequency attached by ClinVar (database versions not stated): gnomAD 0.00005 and 0.00006; ESP Exome Variant Server 0.00008; TOPMed 0.00010.
gnomAD v4.1: 15 of 1,613,036 alleles (0.00093%); highest among the groups gnomAD compares: African/African-American, 0.02%; no homozygotes.

Submissions (2):

Labcorp Genetics (formerly Invitae), Labcorp
Classification: Uncertain significance for Hereditary spastic paraplegia 30; Neuropathy, hereditary sensory, type 2C; Intellectual disability, autosomal dominant 9. Last evaluated: 2025-10-26. Review status: criteria provided, single submitter. Criteria: Invitae Variant Classification Sherloc (09022015). Collection method: clinical testing. Allele origin: germline.
Comment: This sequence change replaces histidine, which is basic and polar, with glutamine, which is neutral and polar, at codon 421 of the KIF1A protein (p.His421Gln). This variant is present in population databases (rs369856336, gnomAD 0.03%). This variant has not been reported in the literature in individuals affected with KIF1A-related conditions. ClinVar contains an entry for this variant (Variation ID: 954352). Invitae Evidence Modeling of protein sequence and biophysical properties (such as structural, functional, and spatial information, amino acid conservation, physicochemical variation, residue mobility, and thermodynamic stability) indicates that this missense variant is expected to disrupt KIF1A protein function with a positive predictive value of 95%. In summary, the available evidence is currently insufficient to determine the role of this variant in disease. Therefore, it has been classified as a Variant of Uncertain Significance.

GeneDx
Classification: Uncertain significance. Last evaluated: 2024-12-10. Review status: criteria provided, single submitter. Criteria: GeneDx Variant Classification Process June 2021. Collection method: clinical testing. Allele origin: germline. Affected: yes.
Comment: Has not been previously published as pathogenic or benign to our knowledge; This amino acid substitution does not occur within the predicted motor domain of the protein, where most pathogenic missense variants in KIF1A have been identified (PMID: 25265257, 31488895).; In silico analysis indicates that this missense variant does not alter protein structure/function

NM_001244008.2(KIF1A):c.1290C>G (p.His430Gln)

Gene: KIF1A (kinesin family member 1A; minus strand). Cytogenetic location: 2q37.3.
Variant type: single nucleotide variant.
Coding change: c.1290C>G on transcript NM_001244008.2 (MANE Select); coding-DNA position 1290, C replaced by G.
Protein change: p.His430Gln; replaces histidine 430 with glutamine.
Molecular consequence: missense variant.
Genome position (GRCh38, 1-based): chr2:240,771,022, G>C on the plus strand (C>G on the coding strand, the complement: KIF1A is on the minus strand). VCF-style: chr2-240771022-G-C. GRCh37 (hg19) VCF-style: chr2-241710439-G-C.
Other names: c.1290C>G, p.His430Gln (NM_001320705.2, NM_001330289.2, NM_001379638.1); c.1365C>G, p.His455Gln (NM_001330290.2, NM_001379631.1, NM_001379634.1 and 2 more transcripts); c.1263C>G, p.His421Gln (NM_001379632.1, NM_001379633.1, NM_001379636.1 and 10 more transcripts); c.1338C>G, p.His446Gln (NM_001379637.1, NM_001379648.1); short protein forms H430Q, H446Q, H455Q, H421Q.
Identifiers: ClinVar variation 954352 (VCV000954352.12), dbSNP rs369856336, ClinGen allele CA2208457.